The following is an entry in ClinVar:

NM_001040274.3(SYCP2L):c.336+1A>C

Gene: SYCP2L (synaptonemal complex protein 2 like; plus strand). Cytogenetic location: 6p24.2.
Variant type: single nucleotide variant.
Coding change: c.336+1A>C on transcript NM_001040274.3 (MANE Select); the canonical splice donor site of the intron after coding-DNA position 336, A replaced by C.
Molecular consequence: splice donor variant.
Genome position (GRCh38, 1-based): chr6:10,894,205, A>C. VCF-style: chr6-10894205-A-C. GRCh37 (hg19) VCF-style: chr6-10894438-A-C.
Identifiers: ClinVar variation 4850345 (VCV004850345.1).
Genomic context (GRCh38, chr6:10,894,205, plus strand): 5'-CTCGTAGATGGCCTGAAAGAAGATGAACCTCTGCTAATTCGGCAGGGACTGATCCCAAAG[A>C]TAAGTGTCCTATTTTAATTTTATATGGCTTTGGGTAACTTAGAGAACTTAGGTGGATTTA-3'

ClinVar aggregate classification (germline): Likely pathogenic (1 of 4 stars; one submission).

Conditions:
Premature ovarian failure 24. Identifiers: MedGen C5935624, MONDO:0970995, OMIM 620840.

Submission:

First Genomix Gene Laboratory, Genetic Diagnostics Department
Classification: Likely pathogenic for Premature ovarian failure 24. Last evaluated: 2025-09-17. Review status: criteria provided, single submitter. Criteria: ACMG Guidelines, 2015. Collection method: clinical testing. Allele origin: germline. Inheritance: Autosomal recessive inheritance. Affected: no. Observed: 1 variant allele.